The following is an entry in ClinVar:

ClinVar aggregate classification (germline): Uncertain significance (1 of 4 stars; one submission).

Conditions:
Epidermolysis bullosa simplex 5C, with pyloric atresia (EBS5C). Also called: PLEC-Related Epidermolysis Bullosa with Pyloric Atresia; Epidermolysis bullosa simplex with pyloric atresia; PLEC1-Related Epidermolysis Bullosa with Pyloric Atresia. Identifiers: Orphanet 158684, MedGen C2677349, MONDO:0012807, OMIM 612138.
Epidermolysis bullosa simplex 5B, with muscular dystrophy (EBS5B). Also called: EPIDERMOLYSIS BULLOSA SIMPLEX AND LIMB-GIRDLE MUSCULAR DYSTROPHY; Epidermolysis bullosa simplex with muscular dystrophy. Identifiers: Orphanet 257, MedGen C2931072, MONDO:0009181, OMIM 226670.
Epidermolysis bullosa simplex, Ogna type (EBS5A). Also called: Pidermolysis bullosa simplex 5A, Ogna type; EPIDERMOLYSIS BULLOSA SIMPLEX 5A, OGNA TYPE. Identifiers: Orphanet 79401, MedGen C0432317, MONDO:0007555, OMIM 131950.
Autosomal recessive limb-girdle muscular dystrophy type 2Q (LGMDR17). Also called: MUSCULAR DYSTROPHY, LIMB-GIRDLE, AUTOSOMAL RECESSIVE 17. Identifiers: Orphanet 254361, MedGen C3150989, MONDO:0013390, OMIM 613723.
Epidermolysis bullosa simplex with nail dystrophy (EBS5D). Identifiers: MedGen C4225309, MONDO:0014661, OMIM 616487.

Submission:

Labcorp Genetics (formerly Invitae), Labcorp
Classification: Uncertain significance for Autosomal recessive limb-girdle muscular dystrophy type 2Q; Epidermolysis bullosa simplex, Ogna type; Epidermolysis bullosa simplex with nail dystrophy; Epidermolysis bullosa simplex 5C, with pyloric atresia; Epidermolysis bullosa simplex 5B, with muscular dystrophy. Last evaluated: 2025-05-05. Review status: criteria provided, single submitter. Criteria: Invitae Variant Classification Sherloc (09022015). Collection method: clinical testing. Allele origin: germline.
Comment: This sequence change replaces aspartic acid, which is acidic and polar, with glutamic acid, which is acidic and polar, at codon 4029 of the PLEC protein (p.Asp4029Glu). This variant is not present in population databases (gnomAD no frequency). This variant has not been reported in the literature in individuals affected with PLEC-related conditions. ClinVar contains an entry for this variant (Variation ID: 1373231). Invitae Evidence Modeling of protein sequence and biophysical properties (such as structural, functional, and spatial information, amino acid conservation, physicochemical variation, residue mobility, and thermodynamic stability) has been performed for this missense variant. However, the output from this modeling did not meet the statistical confidence thresholds required to predict the impact of this variant on PLEC protein function. In summary, the available evidence is currently insufficient to determine the role of this variant in disease. Therefore, it has been classified as a Variant of Uncertain Significance.

NM_201384.3(PLEC):c.12006C>A (p.Asp4002Glu)

Gene: PLEC (plectin; minus strand). Cytogenetic location: 8q24.3.
Variant type: single nucleotide variant.
Coding change: c.12006C>A on transcript NM_201384.3 (MANE Select); coding-DNA position 12006, C replaced by A.
Protein change: p.Asp4002Glu; replaces aspartic acid 4002 with glutamic acid.
Molecular consequence: missense variant.
Genome position (GRCh38, 1-based): chr8:143,917,815, G>T on the plus strand (C>A on the coding strand, the complement: PLEC is on the minus strand). VCF-style: chr8-143917815-G-T. GRCh37 (hg19) VCF-style: chr8-144991983-G-T.
Other names: c.12087C>A, p.Asp4029Glu (NM_000445.5); c.11964C>A, p.Asp3988Glu (NM_201378.4); c.11940C>A, p.Asp3980Glu (NM_201379.3); c.12417C>A, p.Asp4139Glu (NM_201380.4); c.11910C>A, p.Asp3970Glu (NM_201381.3); c.12006C>A, p.Asp4002Glu (NM_201382.4); c.12018C>A, p.Asp4006Glu (NM_201383.3); short protein forms D3980E, D3988E, D4002E, D4006E, D4029E, D4139E, D3970E.
Identifiers: ClinVar variation 1373231 (VCV001373231.6), dbSNP rs368603624, ClinGen allele CA372486740.